The following is an entry in ClinVar:

ClinVar aggregate classification (germline): Benign (0 of 4 stars; one submission).

Conditions:
EP400-related disorder. Also called: EP400-related condition.

Allele frequency attached by ClinVar (database versions not stated): ESP Exome Variant Server 0.11984; TOPMed 0.12122; 1000 Genomes Project 0.12879; 1000 Genomes Project 30x 0.13023.
gnomAD v4.1: 79,030 of 1,613,212 alleles (4.9%); highest among the groups gnomAD compares: African/African-American, 32%; 5,498 homozygotes.

Submission:

PreventionGenetics, part of Exact Sciences
Classification: Benign for EP400-related condition. Last evaluated: 2019-10-21. Review status: no assertion criteria provided. Collection method: clinical testing. Allele origin: germline.
Comment: This variant is classified as benign based on ACMG/AMP sequence variant interpretation guidelines (Richards et al. 2015 PMID: 25741868, with internal and published modifications).

NM_015409.5(EP400):c.5424C>G (p.Ser1808=)

Gene: EP400 (E1A binding protein p400; plus strand). Cytogenetic location: 12q24.33.
Variant type: single nucleotide variant.
Coding change: c.5424C>G on transcript NM_015409.5 (MANE Select); coding-DNA position 5424, C replaced by G.
Protein change: p.Ser1808=; no amino-acid change (serine 1808 retained).
Molecular consequence: synonymous variant.
Genome position (GRCh38, 1-based): chr12:132,029,743, C>G. VCF-style: chr12-132029743-C-G. GRCh37 (hg19) VCF-style: chr12-132514288-C-G.
Identifiers: ClinVar variation 3056557 (VCV003056557.2), dbSNP rs58319354, ClinGen allele CA6886036.